The following is an entry in ClinVar:

ClinVar aggregate classification (germline): Uncertain significance (1 of 4 stars; one submission).

Allele frequency attached by ClinVar (database versions not stated): gnomAD exomes below 0.00001; TOPMed 0.00001.
gnomAD v4.1: 2 of 1,179,309 alleles (0.00017%); highest among the groups gnomAD compares: Non-Finnish European, 0.00023%; no homozygotes.

Submission:

GeneDx
Classification: Uncertain significance. Last evaluated: 2020-01-03. Review status: criteria provided, single submitter. Criteria: GeneDx Variant Classification Process June 2021. Collection method: clinical testing. Allele origin: germline. Affected: yes.
Comment: Not observed in large population cohorts (Lek et al., 2016); In silico analysis supports that this missense variant does not alter protein structure/function; This variant is associated with the following publications: (PMID: 24523240)

NM_000377.3(WAS):c.993T>G (p.Ile331Met)

Gene: WAS (WASP actin nucleation promoting factor; plus strand). Cytogenetic location: Xp11.23.
Variant type: single nucleotide variant.
Coding change: c.993T>G on transcript NM_000377.3 (MANE Select); coding-DNA position 993, T replaced by G.
Protein change: p.Ile331Met; replaces isoleucine 331 with methionine.
Molecular consequence: missense variant.
Genome position (GRCh38, 1-based): chrX:48,688,721, T>G. VCF-style: chrX-48688721-T-G. GRCh37 (hg19) VCF-style: chrX-48547110-T-G.
Other names: short protein forms I331M.
Identifiers: ClinVar variation 1303154 (VCV001303154.2), dbSNP rs1431544968, ClinGen allele CA412872880.